The following is an entry in ClinVar:

ClinVar aggregate classification (germline): Uncertain significance (1 of 4 stars; one submission).

Conditions:
Catecholaminergic polymorphic ventricular tachycardia 1. Also called: VENTRICULAR TACHYCARDIA, CATECHOLAMINERGIC POLYMORPHIC, 1, WITH OR WITHOUT ATRIAL DYSFUNCTION AND/OR DILATED CARDIOMYOPATHY; RYR2-Related Catecholaminergic Polymorphic Ventricular Tachycardia; VENTRICULAR TACHYCARDIA, STRESS-INDUCED POLYMORPHIC 1. Identifiers: Orphanet 3286, MedGen C1631597, MONDO:0011484, OMIM 604772.

Submission:

Labcorp Genetics (formerly Invitae), Labcorp
Classification: Uncertain significance for Catecholaminergic polymorphic ventricular tachycardia 1. Last evaluated: 2022-06-13. Review status: criteria provided, single submitter. Criteria: Invitae Variant Classification Sherloc (09022015). Collection method: clinical testing. Allele origin: germline.
Comment: This variant is a gross deletion of the genomic region encompassing exon(s) 34 of the TRDN gene. This variant would be expected to be in-frame, preserving the integrity of the reading frame. This variant has not been reported in the literature in individuals affected with TRDN-related conditions. Experimental studies and prediction algorithms are not available or were not evaluated, and the functional significance of this variant is currently unknown. In summary, the available evidence is currently insufficient to determine the role of this variant in disease. Therefore, it has been classified as a Variant of Uncertain Significance.

NC_000006.11:g.(?_123581737)_(123581803_?)del

Gene: TRDN (triadin; minus strand). Cytogenetic location: 6q22.31.
Variant type: Deletion.
Identifiers: ClinVar variation 2425501 (VCV002425501.3).